The following is an entry in ClinVar:

NM_001114753.3(ENG):c.1285A>G (p.Ile429Val)

Genes: ENG (endoglin; minus strand), LOC102723566 (uncharacterized LOC102723566; plus strand). Cytogenetic location: 9q34.11.
Variant type: single nucleotide variant.
Coding change: c.1285A>G on transcript NM_001114753.3 (MANE Select); coding-DNA position 1285, A replaced by G.
Protein change: p.Ile429Val; replaces isoleucine 429 with valine.
Molecular consequence: missense variant.
Genome position (GRCh38, 1-based): chr9:127,819,648, T>C on the plus strand (A>G on the coding strand, the complement: ENG is on the minus strand). VCF-style: chr9-127819648-T-C. GRCh37 (hg19) VCF-style: chr9-130581927-T-C.
Other names: c.1285A>G, p.Ile429Val (NM_000118.4); c.739A>G, p.Ile247Val (NM_001278138.2); short protein forms I247V, I429V.
Identifiers: ClinVar variation 4843465 (VCV004843465.1).
Genomic context (GRCh38, chr9:127,819,648, plus strand): 5'-GCCAGGTGGGTTAGCACGTGACTGTCCATCTCACCCGCTGTGGTGATGAGCTCGACAGGA[T>C]ATTGACCACCGCCTGCGGGGATAAAGCCAGGGAGCTGGTCAGAGCCAGAAAGGACCCCAG-3'
Protein context (NP_001108225.1, residues 419-439): SMISNEAVVN[Ile429Val]LSSSSPQRKK

ClinVar aggregate classification (germline): Uncertain significance (1 of 4 stars; one submission).

Conditions:
Cardiovascular phenotype. Identifiers: MedGen CN230736.

Submission:

Ambry Genetics
Classification: Uncertain significance for Cardiovascular phenotype. Last evaluated: 2026-01-12. Review status: criteria provided, single submitter. Criteria: Ambry Variant Classification Scheme 2023. Collection method: clinical testing. Allele origin: germline.
Comment: The p.I429V variant (also known as c.1285A>G), located in coding exon 10 of the ENG gene, results from an A to G substitution at nucleotide position 1285. The isoleucine at codon 429 is replaced by valine, an amino acid with highly similar properties. This amino acid position is conserved. In addition, this alteration is predicted to be tolerated by in silico analysis. Based on the available evidence, the clinical significance of this variant remains unclear.